The following is an entry in ClinVar:

NM_003185.4(TAF4):c.242G>A (p.Gly81Asp)

Gene: TAF4 (TATA-box binding protein associated factor 4; minus strand). Cytogenetic location: 20q13.33.
Variant type: single nucleotide variant.
Coding change: c.242G>A on transcript NM_003185.4 (MANE Select); coding-DNA position 242, G replaced by A.
Protein change: p.Gly81Asp; replaces glycine 81 with aspartic acid.
Molecular consequence: missense variant.
Genome position (GRCh38, 1-based): chr20:62,065,569, C>T on the plus strand (G>A on the coding strand, the complement: TAF4 is on the minus strand). VCF-style: chr20-62065569-C-T. GRCh37 (hg19) VCF-style: chr20-60640625-C-T.
Other names: short protein forms G81D.
Identifiers: ClinVar variation 3901703 (VCV003901703.1).

ClinVar aggregate classification (germline): Uncertain significance (1 of 4 stars; one submission).

Submission:

GeneDx
Classification: Uncertain significance. Last evaluated: 2024-12-05. Review status: criteria provided, single submitter. Criteria: GeneDx Variant Classification Process June 2021. Collection method: clinical testing. Allele origin: germline. Affected: yes.
Comment: Not observed at significant frequency in large population cohorts (gnomAD); In silico analysis indicates that this missense variant does not alter protein structure/function; Has not been previously published as pathogenic or benign to our knowledge